The following is an entry in ClinVar:

NM_005562.3(LAMC2):c.2131C>T (p.Gln711Ter)

Gene: LAMC2 (laminin subunit gamma 2; plus strand). Cytogenetic location: 1q25.3.
Variant type: single nucleotide variant.
Coding change: c.2131C>T on transcript NM_005562.3 (MANE Select); coding-DNA position 2131, C replaced by T.
Protein change: p.Gln711Ter; replaces glutamine 711 with a stop codon.
Molecular consequence: nonsense.
Genome position (GRCh38, 1-based): chr1:183,232,768, C>T. VCF-style: chr1-183232768-C-T. GRCh37 (hg19) VCF-style: chr1-183201903-C-T.
Other names: c.2131C>T, p.Gln711Ter (NM_018891.3); short protein forms Q711*.
Identifiers: ClinVar variation 645549 (VCV000645549.6), dbSNP rs1571535301, ClinGen allele CA343693364.

ClinVar aggregate classification (germline): Pathogenic (1 of 4 stars; one submission).

Submission:

Labcorp Genetics (formerly Invitae), Labcorp
Classification: Pathogenic. Last evaluated: 2018-08-01. Review status: criteria provided, single submitter. Criteria: Invitae Variant Classification Sherloc (09022015). Collection method: clinical testing. Allele origin: germline.
Comment: For these reasons, this variant has been classified as Pathogenic. Loss-of-function variants in LAMC2 are known to be pathogenic (PMID: 11907499, 16473856). This variant has not been reported in the literature in individuals with LAMC2-related disease. This variant is not present in population databases (ExAC no frequency). This sequence change creates a premature translational stop signal (p.Gln711*) in the LAMC2 gene. It is expected to result in an absent or disrupted protein product.

Literature cited by the submitters: PubMed 11907499; PubMed 16473856.